The following is an entry in ClinVar:

ClinVar aggregate classification (germline): Likely pathogenic (1 of 4 stars; one submission).

Conditions:
Primary ciliary dyskinesia. Also called: Ciliary dyskinesia. Identifiers: Orphanet 244, MedGen C0008780, MONDO:0016575, HP:0012265.

Submission:

Labcorp Genetics (formerly Invitae), Labcorp
Classification: Likely pathogenic for Primary ciliary dyskinesia. Last evaluated: 2022-12-04. Review status: criteria provided, single submitter. Criteria: Invitae Variant Classification Sherloc (09022015). Collection method: clinical testing. Allele origin: germline.
Comment: In summary, the currently available evidence indicates that the variant is pathogenic, but additional data are needed to prove that conclusively. Therefore, this variant has been classified as Likely Pathogenic. Algorithms developed to predict the effect of sequence changes on RNA splicing suggest that this variant may disrupt the consensus splice site. This variant has not been reported in the literature in individuals affected with DNAH5-related conditions. This variant is not present in population databases (gnomAD no frequency). This sequence change affects an acceptor splice site in intron 12 of the DNAH5 gene. It is expected to disrupt RNA splicing. Variants that disrupt the donor or acceptor splice site typically lead to a loss of protein function (PMID: 16199547), and loss-of-function variants in DNAH5 are known to be pathogenic (PMID: 11788826, 16627867).

Literature cited by the submitters: PubMed 16199547; PubMed 11788826; PubMed 16627867.

NM_001369.3(DNAH5):c.1645-2A>G

Gene: DNAH5 (dynein axonemal heavy chain 5; minus strand). Cytogenetic location: 5p15.2.
Variant type: single nucleotide variant.
Coding change: c.1645-2A>G on transcript NM_001369.3 (MANE Select); the canonical splice acceptor site of the intron before coding-DNA position 1645, A replaced by G.
Molecular consequence: splice acceptor variant.
Genome position (GRCh38, 1-based): chr5:13,902,140, T>C on the plus strand (A>G on the coding strand, the complement: DNAH5 is on the minus strand). VCF-style: chr5-13902140-T-C. GRCh37 (hg19) VCF-style: chr5-13902249-T-C.
Identifiers: ClinVar variation 2818470 (VCV002818470.3), dbSNP rs2547095136, ClinGen allele CA359208728.
Genomic context (GRCh38, chr5:13,902,140, plus strand): 5'-GCTTGATTTGTGTTTTGAATCTTTGCAAATGTAACATCCATGAACTTCCGCAACTCGTTC[T>C]AAAACAGAATAAAATCTGATGATGAACAATAGAATTGGGAATTTACTGTTTAGCAACAAG-3'